The following is an entry in ClinVar:

ClinVar aggregate classification (germline): Uncertain significance. Review status: criteria provided, multiple submitters, no conflicts (2 of 4 stars). 2 submissions from 2 submitters: Uncertain significance (2). Last evaluated 2023-11-22.

Conditions:
Cardiovascular phenotype. Identifiers: MedGen CN230736.
Hypertrophic cardiomyopathy. Also called: HYPERTROPHIC MYOCARDIOPATHY. Identifiers: Orphanet 217569, MedGen C0007194, MeSH D002312, MONDO:0005045, HP:0001639.

Submissions (2):

Labcorp Genetics (formerly Invitae), Labcorp
Classification: Uncertain significance for Hypertrophic cardiomyopathy. Last evaluated: 2023-11-22. Review status: criteria provided, single submitter. Criteria: Invitae Variant Classification Sherloc (09022015). Collection method: clinical testing. Allele origin: germline.
Comment: This sequence change replaces leucine, which is neutral and non-polar, with arginine, which is basic and polar, at codon 811 of the MYH7 protein (p.Leu811Arg). This variant is not present in population databases (gnomAD no frequency). This variant has not been reported in the literature in individuals affected with MYH7-related conditions. ClinVar contains an entry for this variant (Variation ID: 1791185). Advanced modeling of protein sequence and biophysical properties (such as structural, functional, and spatial information, amino acid conservation, physicochemical variation, residue mobility, and thermodynamic stability) performed at Invitae indicates that this missense variant is expected to disrupt MYH7 protein function with a positive predictive value of 95%. In summary, the available evidence is currently insufficient to determine the role of this variant in disease. Therefore, it has been classified as a Variant of Uncertain Significance.

Ambry Genetics
Classification: Uncertain significance for Cardiovascular phenotype. Last evaluated: 2021-02-10. Review status: criteria provided, single submitter. Criteria: Ambry Variant Classification Scheme 2023. Collection method: clinical testing. Allele origin: germline.
Comment: The p.L811R variant (also known as c.2432T>G), located in coding exon 20 of the MYH7 gene, results from a T to G substitution at nucleotide position 2432. The leucine at codon 811 is replaced by arginine, an amino acid with dissimilar properties. This amino acid position is well conserved in available vertebrate species. In addition, this alteration is predicted to be deleterious by in silico analysis. Since supporting evidence is limited at this time, the clinical significance of this alteration remains unclear.

NM_000257.4(MYH7):c.2432T>G (p.Leu811Arg)

Genes: MYH7 (myosin heavy chain 7; minus strand), LOC126861898 (BRD4-independent group 4 enhancer GRCh37_chr14:23893609-23894808; plus strand). Cytogenetic location: 14q11.2.
Variant type: single nucleotide variant.
Coding change: c.2432T>G on transcript NM_000257.4 (MANE Select); coding-DNA position 2432, T replaced by G.
Protein change: p.Leu811Arg; replaces leucine 811 with arginine.
Molecular consequence: missense variant.
Genome position (GRCh38, 1-based): chr14:23,425,016, A>C on the plus strand (T>G on the coding strand, the complement: MYH7 is on the minus strand). VCF-style: chr14-23425016-A-C. GRCh37 (hg19) VCF-style: chr14-23894225-A-C.
Other names: c.2432T>G, p.Leu811Arg (NM_001407004.1); short protein forms L811R.
Identifiers: ClinVar variation 1791185 (VCV001791185.5), dbSNP rs727503256, ClinGen allele CA389048421.
Genomic context (GRCh38, chr14:23,425,016, plus strand): 5'-TTCATCCAGGGCCAATTCTTGACCCCCATGAAGGCCCGAATGTTCCACTGGATTACCAGC[A>C]GGGAGTCTCTGCAGGGGCCCATTGAAAGGAGTGCTGAGCCTCCTGCCTCCTTCCTACCTG-3'
Protein context (NP_000248.2, residues 801-821): YKKLLERRDS[Leu811Arg]LVIQWNIRAF